The following is an entry in ClinVar:

NM_003470.3(USP7):c.3039+5G>A

Gene: USP7 (ubiquitin specific peptidase 7; minus strand). Cytogenetic location: 16p13.2.
Variant type: single nucleotide variant.
Coding change: c.3039+5G>A on transcript NM_003470.3 (MANE Select); 5 bases into the intron after coding-DNA position 3039, G replaced by A.
Molecular consequence: intron variant.
Genome position (GRCh38, 1-based): chr16:8,895,026, C>T on the plus strand (G>A on the coding strand, the complement: USP7 is on the minus strand). VCF-style: chr16-8895026-C-T. GRCh37 (hg19) VCF-style: chr16-8988883-C-T.
Other names: c.2865+5G>A (NM_001321858.2); c.2991+5G>A (NM_001286457.2); c.2742+5G>A (NM_001286458.2).
Identifiers: ClinVar variation 2431918 (VCV002431918.2), dbSNP rs2549213457, ClinGen allele CA2580092076.

ClinVar aggregate classification (germline): Uncertain significance (1 of 4 stars; one submission).

Conditions:
Hao-Fountain syndrome (HAFOUS). Identifiers: Orphanet 643549, MedGen C5393908, MONDO:0014805.

Allele frequency attached by ClinVar (database versions not stated): gnomAD exomes below 0.00001.
gnomAD v4.1: 2 of 1,614,250 alleles (0.00012%); highest among the groups gnomAD compares: Non-Finnish European, 0.00017%; no homozygotes.

Submission:

Laboratorio de Genetica e Diagnostico Molecular, Hospital Israelita Albert Einstein
Classification: Uncertain significance for Hao-Fountain syndrome due to USP7 mutation. Last evaluated: 2022-07-19. Review status: criteria provided, single submitter. Criteria: ACMG Guidelines, 2015. Collection method: clinical testing. Allele origin: germline. Affected: yes.
Comment: ACMG classification criteria: PM2 moderated